The following is an entry in ClinVar:

NM_018238.4(AGK):c.3G>C (p.Met1Ile)

Gene: AGK (acylglycerol kinase; plus strand). Cytogenetic location: 7q34.
Variant type: single nucleotide variant.
Coding change: c.3G>C on transcript NM_018238.4 (MANE Select); coding-DNA position 3, G replaced by C.
Protein change: p.Met1Ile; changes the start codon (methionine 1).
Molecular consequence: missense variant, initiator codon variant.
Genome position (GRCh38, 1-based): chr7:141,555,469, G>C. VCF-style: chr7-141555469-G-C. GRCh37 (hg19) VCF-style: chr7-141255269-G-C.
Other names: c.3G>C, p.Met1Ile (NM_001364948.3); short protein forms M1I.
Identifiers: ClinVar variation 214076 (VCV000214076.3), dbSNP rs863223895, ClinGen allele CA325145.
Genomic context (GRCh38, chr7:141,555,469, plus strand): 5'-TGGATAAATTATATTTTTTTCTCTTTCCGCCTCTACTAACCTAGCAAATCTCTAGAAGAT[G>C]ACGGTGTTCTTTAAAACGCTTCGAAATCACTGGAAGAAAACTACAGCTGGGCTCTGCCTG-3'
Protein context (NP_060708.1, residues 1-11): [Met1Ile]TVFFKTLRNH

ClinVar aggregate classification (germline): Pathogenic. Review status: criteria provided, single submitter (1 of 4 stars). 2 submissions from 2 submitters: Pathogenic (1). 1 of the submissions does not count toward it. Last evaluated 2014-10-21.

Conditions:
Sengers syndrome. Also called: Cardiomyopathy and cataract; MITOCHONDRIAL DNA DEPLETION SYNDROME 10 (CARDIOMYOPATHIC TYPE). Identifiers: Orphanet 1369, MedGen C1859317, MONDO:0008922, OMIM 212350.

Submissions (2):

GeneDx
Classification: Pathogenic. Last evaluated: 2014-10-21. Review status: criteria provided, single submitter. Criteria: GeneDx Variant Classification (06012015). Collection method: clinical testing. Allele origin: germline. Affected: yes.
Comment: p.Met1? (ATG>ATC): c.3 G>C in exon 2 of the AGK gene (NM_018238.3)The c.3 G>C mutation has been reported previously in association with Sengers syndrome in two individuals who were also heterozygous for another mutation in the AGK gene (Mayr et al., 2012). The mutation alters the initiator Methionine codon, and the resultant protein would be described as p.Met1?" using a question mark to signify that it is not known if the loss of Met1 means that all protein translation is completely prevented or if an abnormal protein is produced using an alternate Met. The variant is found in MITONUC-MITOP panel(s)."

OMIM
Classification: Pathogenic for SENGERS SYNDROME. Last evaluated: 2012-02-10. Review status: no assertion criteria provided. Collection method: literature only. Allele origin: germline. Not counted in ClinVar's aggregate classification.

Literature cited by the submitters: PubMed 3560758 (cited by OMIM); PubMed 22284826 (cited by OMIM).